The following is an entry in ClinVar:

ClinVar aggregate classification (germline): Uncertain significance (1 of 4 stars; one submission).

gnomAD v4.1: 54 of 1,612,628 alleles (0.0033%); highest among the groups gnomAD compares: Non-Finnish European, 0.0046%; no homozygotes.

Submission:

Labcorp Genetics (formerly Invitae), Labcorp
Classification: Uncertain significance. Last evaluated: 2025-02-06. Review status: criteria provided, single submitter. Criteria: Invitae Variant Classification Sherloc (09022015). Collection method: clinical testing. Allele origin: germline.
Comment: This sequence change replaces leucine, which is neutral and non-polar, with proline, which is neutral and non-polar, at codon 717 of the NRIP1 protein (p.Leu717Pro). This variant is present in population databases (no rsID available, gnomAD 0.0009%). This variant has not been reported in the literature in individuals affected with NRIP1-related conditions. An algorithm developed to predict the effect of missense changes on protein structure and function (PolyPhen-2) suggests that this variant is likely to be disruptive. In summary, the available evidence is currently insufficient to determine the role of this variant in disease. Therefore, it has been classified as a Variant of Uncertain Significance.

NM_003489.4(NRIP1):c.2150T>C (p.Leu717Pro)

Gene: NRIP1 (nuclear receptor interacting protein 1; minus strand). Cytogenetic location: 21q11.2.
Variant type: single nucleotide variant.
Coding change: c.2150T>C on transcript NM_003489.4 (MANE Select); coding-DNA position 2150, T replaced by C.
Protein change: p.Leu717Pro; replaces leucine 717 with proline.
Molecular consequence: missense variant.
Genome position (GRCh38, 1-based): chr21:14,966,043, A>G on the plus strand (T>C on the coding strand, the complement: NRIP1 is on the minus strand). VCF-style: chr21-14966043-A-G. GRCh37 (hg19) VCF-style: chr21-16338364-A-G.
Other names: c.2150T>C, p.Leu717Pro (NM_001439275.1, NM_001439276.1, NM_001439277.1 and 10 more transcripts); short protein forms L717P.
Identifiers: ClinVar variation 4777028 (VCV004777028.1).